The following is an entry in ClinVar:

ClinVar aggregate classification (germline): Pathogenic. Review status: reviewed by expert panel (3 of 4 stars). 9 submissions from 9 submitters: Pathogenic (1). 8 of the submissions do not count toward it. Last evaluated 2017-03-17.

Conditions:
CFTR-related disorder (CFTR-RD). Also called: CFTR-related condition; CFTR-related disorders. Identifiers: MedGen C5924204, MONDO:7770004.
Cystic fibrosis (CF). Also called: MUCOVISCIDOSIS. Identifiers: Orphanet 586, MedGen C0010674, MONDO:0009061, OMIM 219700. Disease mechanism: loss of function.

gnomAD v4.1: 2 of 1,600,182 alleles (0.00012%); highest among the groups gnomAD compares: Non-Finnish European, 0.00017%; no homozygotes.

Submissions (9):

CFTR2
Classification: Pathogenic for Cystic fibrosis. Last evaluated: 2017-03-17. Review status: reviewed by expert panel. Criteria: Sosnay PR et al. (Nat Genet 2013). Collection method: research. Allele origin: germline. Affected: yes. Study: CFTR2.

Institute of Human Genetics, University of Leipzig Medical Center
Classification: Pathogenic for Cystic fibrosis. Last evaluated: 2026-02-23. Review status: criteria provided, single submitter. Criteria: ACMG Guidelines, 2015. Collection method: clinical testing. Allele origin: unknown. Inheritance: Autosomal recessive inheritance. Affected: yes. Not counted in ClinVar's aggregate classification.
Comment: Criteria applied: PVS1,PM3_VSTR,PM2_SUP,PP4

Natera, Inc.
Classification: Pathogenic for CFTR-related disorders. Last evaluated: 2024-10-18. Review status: criteria provided, single submitter. Criteria: Natera Variant Classification Schema (03/2026). Collection method: clinical testing. Allele origin: germline. Not counted in ClinVar's aggregate classification.
Comment: The c.1766+1G>C variant in CFTR is a canonical splice donor site variant predicted to affect pre-mRNA splicing, which may result in an abnormal transcript and altered protein product. This variant is expected to result in nonsense mediated decay, truncation, or a dysfunctional protein product. This variant is rare in the general population with a frequency below the threshold expected for the associated phenotype(s). This variant has been observed in one or more individuals affected with the associated recessive disease, as either homozygous or compound heterozygous with a second variant (PMID: 22892530, 34086412). Another variant at this same site results in an alteration predicted to cause a similar molecular effect has been observed in individual(s) with the associated phenotype. Given the available evidence, this variant is classified as Pathogenic.

Women's Health and Genetics/Laboratory Corporation of America, LabCorp
Classification: Pathogenic for Cystic fibrosis. Last evaluated: 2024-10-16. Review status: criteria provided, single submitter. Criteria: LabCorp Variant Classification Summary - May 2015. Collection method: clinical testing. Allele origin: germline. Not counted in ClinVar's aggregate classification.
Comment: Variant summary: CFTR c.1766+1G>C is located in a canonical splice-site and is predicted to affect mRNA splicing resulting in a significantly altered protein due to either exon skipping, shortening, or inclusion of intronic material. Variants that disrupt the consensus splice site are a relatively common cause of aberrant splicing and loss of CFTR function. Several computational tools predict a significant impact on normal splicing: Three predict the variant abolishes a 5' splicing donor site. The variant allele was found at a frequency of 4e-06 in 249234 control chromosomes. c.1766+1G>C has been reported in the literature in individuals affected with Cystic Fibrosis. These data indicate that the variant is likely to be associated with disease. To our knowledge, no experimental evidence demonstrating an impact on protein function has been reported. The following publications have been ascertained in the context of this evaluation (PMID: 32429104, 22892530). ClinVar contains an entry for this variant (Variation ID: 53376). Based on the evidence outlined above, the variant was classified as pathogenic.

ARUP Laboratories, Molecular Genetics and Genomics, ARUP Laboratories
Classification: Pathogenic for Cystic fibrosis. Last evaluated: 2024-01-15. Review status: criteria provided, single submitter. Criteria: ARUP Molecular Germline Variant Investigation Process 2024. Collection method: clinical testing. Allele origin: germline. Not counted in ClinVar's aggregate classification.
Comment: The CFTR c.1766+1G>C variant (rs121908748) is reported in the literature in individuals affected with pancreatic-insufficient cystic fibrosis (Cuppens 1993, Zietkiewicz 2014, CFTR2 database) and was identified in trans to p.Phe508del in at least one affected individual (Zietkiewicz 2014). The c.1766+1G>C variant is found on a single chromosome in the Genome Aggregation Database, indicating it is not a common polymorphism, and it is reported as pathogenic by several laboratories in ClinVar (Variation ID: 53376). This variant abolishes the canonical splice donor site of intron 12, which is likely to disrupt gene function. Based on available information, this variant is considered to be severely pathogenic. References: CFTR2 database: Cuppens H et al. Detection of 98.5% of the mutations in 200 Belgian cystic fibrosis alleles by reverse dot-blot and sequencing of the complete coding region and exon/intron junctions of the CFTR gene. Genomics. 1993 Dec;18(3):693-7. Zietkiewicz E et al. CFTR mutations spectrum and the efficiency of molecular diagnostics in Polish cystic fibrosis patients. PLoS One. 2014 Feb 26;9(2):e89094.

Labcorp Genetics (formerly Invitae), Labcorp
Classification: Pathogenic for Cystic fibrosis. Last evaluated: 2023-12-22. Review status: criteria provided, single submitter. Criteria: Invitae Variant Classification Sherloc (09022015). Collection method: clinical testing. Allele origin: germline. Not counted in ClinVar's aggregate classification.
Comment: This sequence change affects a donor splice site in intron 13 of the CFTR gene. It is expected to disrupt RNA splicing. Variants that disrupt the donor or acceptor splice site typically lead to a loss of protein function (PMID: 16199547), and loss-of-function variants in CFTR are known to be pathogenic (PMID: 1695717, 7691345, 9725922). This variant is present in population databases (rs121908748, gnomAD 0.0009%). Disruption of this splice site has been observed in individuals with cystic fibrosis (PMID: 1284540, 7508414, 23974870, 24586523). This variant is also known as 1898+1G>C. ClinVar contains an entry for this variant (Variation ID: 53376). Algorithms developed to predict the effect of sequence changes on RNA splicing suggest that this variant may disrupt the consensus splice site. For these reasons, this variant has been classified as Pathogenic.

Ambry Genetics
Classification: Pathogenic for Cystic fibrosis. Last evaluated: 2018-10-17. Review status: criteria provided, single submitter. Criteria: Ambry Variant Classification Scheme 2023. Collection method: clinical testing. Allele origin: germline. Not counted in ClinVar's aggregate classification.
Comment: The c.1766+1G>C intronic pathogenic mutation (also known as c.1898+1G>C) results from a G to C substitution one nucleotide after coding exon 13 of the CFTR gene. This mutation was reported in two unrelated individuals with cystic fibrosis and has been associated with elevated sweat chloride levels, pancreatic insufficiency, and pulmonary disease; at least one individual was reported to also be heterozygous for p.F508del (Cuppens H et al. Genomics, 1993 Dec;18:693-7; Zitkiewicz E et al. PLoS ONE, 2014 Feb;9:e89094). Two other mutations at the same nucleotide position, c.1766+1G>A and c.1766+1G>T, have also been reported in individuals with cystic fibrosis (Strong TV et al. Hum. Mutat., 1992;1:380-7; Crawford J et al. Hum. Mutat., 1995;5:101-2). Alterations that disrupt the canonical splice site are expected to cause aberrant splicing, resulting in an abnormal protein or a transcript that is subject to nonsense-mediated mRNA decay. As such, this alteration is classified as pathogenic.

CFTR-France
Classification: Pathogenic for cystic fibrosis. Last evaluated: 2018-01-29. Review status: criteria provided, single submitter. Criteria: Claustres M et al. (Hum Mutat 2017). Collection method: curation. Allele origin: germline. Affected: yes. Not counted in ClinVar's aggregate classification.

Counsyl
Classification: Pathogenic for Cystic fibrosis. Last evaluated: 2015-12-15. Review status: no assertion criteria provided. Collection method: clinical testing. Allele origin: unknown. Not counted in ClinVar's aggregate classification.

Literature cited by the submitters: PubMed 22892530 (cited by Natera, Inc. and Women's Health and Genetics/Laboratory Corporation of America, LabCorp); PubMed 34086412 (cited by Natera, Inc.); PubMed 32429104 (cited by Women's Health and Genetics/Laboratory Corporation of America, LabCorp); PubMed 16199547 (cited by Labcorp Genetics (formerly Invitae), Labcorp); PubMed 1695717 (cited by Labcorp Genetics (formerly Invitae), Labcorp); PubMed 7691345 (cited by Labcorp Genetics (formerly Invitae), Labcorp); PubMed 9725922 (cited by Labcorp Genetics (formerly Invitae), Labcorp); PubMed 1284540 (cited by Labcorp Genetics (formerly Invitae), Labcorp); PubMed 7508414 (cited by 3 submitters); PubMed 23974870 (cited by Labcorp Genetics (formerly Invitae), Labcorp); PubMed 24586523 (cited by 3 submitters).

NM_000492.4(CFTR):c.1766+1G>C

Gene: CFTR (CF transmembrane conductance regulator; plus strand). Cytogenetic location: 7q31.2.
Variant type: single nucleotide variant.
Coding change: c.1766+1G>C on transcript NM_000492.4 (MANE Select); the canonical splice donor site of the intron after coding-DNA position 1766, G replaced by C.
Molecular consequence: splice donor variant.
Genome position (GRCh38, 1-based): chr7:117,590,440, G>C. VCF-style: chr7-117590440-G-C. GRCh37 (hg19) VCF-style: chr7-117230494-G-C.
Other names: 1898+1G->C.
Identifiers: ClinVar variation 53376 (VCV000053376.25), dbSNP rs121908748, ClinGen allele CA326659.